The following is an entry in ClinVar:

ClinVar aggregate classification (germline): Uncertain significance (1 of 4 stars; one submission).

Conditions:
Toriello-Lacassie-Droste syndrome. Identifiers: Orphanet 3339, MedGen C1838329, MONDO:0010854, OMIM 600268.

Submission:

Centre for Mendelian Genomics, University Medical Centre Ljubljana
Classification: Uncertain significance for Toriello-Lacassie-Droste syndrome. Last evaluated: 2019-06-21. Review status: criteria provided, single submitter. Criteria: ACMG Guidelines, 2015. Collection method: clinical testing. Allele origin: unknown. Affected: yes.
Comment: This variant was classified as: Uncertain significance. The available evidence favors the benign nature of this variant, however the evidence is insufficent to prove its benign nature. The following ACMG criteria were applied in classifying this variant: BP3.

NM_004985.5(KRAS):c.534_536del (p.Lys180del)

Gene: KRAS (KRAS proto-oncogene, GTPase; minus strand). Cytogenetic location: 12p12.1.
Variant type: Deletion.
Coding change: c.534_536del on transcript NM_004985.5 (MANE Select); coding-DNA positions 534 to 536, 3 bases deleted (AAA; older notation c.534_536delAAA).
Protein change: p.Lys180del; deletes lysine 180.
Molecular consequence: inframe deletion. On other transcripts: 3 prime UTR variant (2).
Genome position (GRCh38, 1-based): chr12:25,209,826-25,209,828, TTT deleted on the plus strand (AAA on the coding strand, the reverse complement: KRAS is on the minus strand); deleting any 3 consecutive bases within chr12:25,209,826-25,209,830 gives the same sequence; the c. name uses the placement nearest the transcript's 3' end. VCF-style (leftmost placement, unchanged base first): chr12-25209825-CTTT-C. GRCh37 (hg19) VCF-style: chr12-25362759-CTTT-C.
Other names: c.*88_*90del (NM_001369786.1, NM_033360.4); c.534_536del, p.Lys180del (NM_001369787.1); short protein forms K180del.
Identifiers: ClinVar variation 931154 (VCV000931154.3), dbSNP rs1373386042, ClinGen allele CA686714716.
Genomic context (GRCh38, chr12:25,209,825, plus strand): 5'-TATGCCTTAAGAAAAAAGTACAAATTGTATTTACATAATTACACACTTTGTCTTTGACTT[CTTT>C]TTCTTCTTTTTACCATCTTTGCTCATCTTTTCTTTATGTTTTCGAATTTCTCGAACTAAT-3'